The following is an entry in ClinVar:

ClinVar aggregate classification (germline): Uncertain significance (1 of 4 stars; one submission).

Conditions:
Cholestanol storage disease (CTX). Also called: Cerebrotendinous Xanthomatosis; CEREBRAL CHOLESTERINOSIS; CTX: Cerebrotendinous xanthomatosis. Identifiers: Orphanet 909, MedGen C0238052, MONDO:0008948, OMIM 213700.

Submission:

Labcorp Genetics (formerly Invitae), Labcorp
Classification: Uncertain significance for Cholestanol storage disease. Last evaluated: 2025-12-19. Review status: criteria provided, single submitter. Criteria: Invitae Variant Classification Sherloc (09022015). Collection method: clinical testing. Allele origin: germline.
Comment: This sequence change replaces valine, which is neutral and non-polar, with alanine, which is neutral and non-polar, at codon 500 of the CYP27A1 protein (p.Val500Ala). This variant is not present in population databases (gnomAD no frequency). This variant has not been reported in the literature in individuals affected with CYP27A1-related conditions. ClinVar contains an entry for this variant (Variation ID: 3627256). Invitae Evidence Modeling of protein sequence and biophysical properties (such as structural, functional, and spatial information, amino acid conservation, physicochemical variation, residue mobility, and thermodynamic stability) indicates that this missense variant is not expected to disrupt CYP27A1 protein function with a negative predictive value of 80%. In summary, the available evidence is currently insufficient to determine the role of this variant in disease. Therefore, it has been classified as a Variant of Uncertain Significance.

NM_000784.4(CYP27A1):c.1499T>C (p.Val500Ala)

Gene: CYP27A1 (cytochrome P450 family 27 subfamily A member 1; plus strand). Cytogenetic location: 2q35.
Variant type: single nucleotide variant.
Coding change: c.1499T>C on transcript NM_000784.4 (MANE Select); coding-DNA position 1499, T replaced by C.
Protein change: p.Val500Ala; replaces valine 500 with alanine.
Molecular consequence: missense variant.
Genome position (GRCh38, 1-based): chr2:218,814,933, T>C. VCF-style: chr2-218814933-T-C. GRCh37 (hg19) VCF-style: chr2-219679656-T-C.
Other names: short protein forms V500A.
Identifiers: ClinVar variation 3627256 (VCV003627256.2).